The following is an entry in ClinVar:

NM_006767.4(LZTR1):c.622C>T (p.Gln208Ter)

Gene: LZTR1 (leucine zipper like post translational regulator 1; plus strand). Cytogenetic location: 22q11.21.
Variant type: single nucleotide variant.
Coding change: c.622C>T on transcript NM_006767.4 (MANE Select); coding-DNA position 622, C replaced by T.
Protein change: p.Gln208Ter; replaces glutamine 208 with a stop codon.
Molecular consequence: nonsense.
Genome position (GRCh38, 1-based): chr22:20,989,653, C>T. VCF-style: chr22-20989653-C-T. GRCh37 (hg19) VCF-style: chr22-21343942-C-T.
Other names: short protein forms Q208*.
Identifiers: ClinVar variation 1752324 (VCV001752324.8), dbSNP rs2518614905, ClinGen allele CA410780334.
Genomic context (GRCh38, chr22:20,989,653, plus strand): 5'-CAAGGGGTCCTCACTGGTCTGTCCTAATACAGGTTGAATGACATGTGGACAATTGGCCTC[C>T]AGGACCGAGAGCTCACCTGCTGGGAGGAGGTGAGGGGCGTGGGGAGCCAGGGCGCAGGTA-3'

ClinVar aggregate classification (germline): Pathogenic/Likely pathogenic. Review status: criteria provided, multiple submitters, no conflicts (2 of 4 stars). 3 submissions from 3 submitters: Pathogenic (2); Likely pathogenic (1). Last evaluated 2025-10-13.

Conditions:
Cardiovascular phenotype. Identifiers: MedGen CN230736.
Hereditary cancer-predisposing syndrome. Also called: Hereditary Cancer Syndrome; Hereditary neoplastic syndrome; Neoplastic Syndromes, Hereditary; Tumor predisposition. Identifiers: Orphanet 140162, MedGen C0027672, MeSH D009386, MONDO:0015356.

Allele frequency attached by ClinVar (database versions not stated): gnomAD exomes below 0.00001.
gnomAD v4.1: 2 of 1,613,468 alleles (0.00012%); highest among the groups gnomAD compares: Non-Finnish European, 0.00017%; no homozygotes.

Submissions (3):

Labcorp Genetics (formerly Invitae), Labcorp
Classification: Pathogenic. Last evaluated: 2025-10-13. Review status: criteria provided, single submitter. Criteria: Invitae Variant Classification Sherloc (09022015). Collection method: clinical testing. Allele origin: germline.
Comment: This sequence change creates a premature translational stop signal (p.Gln208*) in the LZTR1 gene. It is expected to result in an absent or disrupted protein product. Loss-of-function variants in LZTR1 are known to be pathogenic (PMID: 24362817, 25335493, 25480913, 25795793, 29469822, 30368668, 30442762, 30442766, 30481304, 30859559). This variant is not present in population databases (gnomAD no frequency). This variant has not been reported in the literature in individuals affected with LZTR1-related conditions. ClinVar contains an entry for this variant (Variation ID: 1752324). Algorithms developed to predict the effect of sequence changes on RNA splicing suggest that this variant may disrupt the consensus splice site. For these reasons, this variant has been classified as Pathogenic.

GeneDx
Classification: Likely pathogenic. Last evaluated: 2025-04-09. Review status: criteria provided, single submitter. Criteria: GeneDx Variant Classification Process June 2021. Collection method: clinical testing. Allele origin: germline. Affected: yes.
Comment: Nonsense variant predicted to result in protein truncation or nonsense mediated decay in a gene for which loss of function is a known mechanism of disease; Not observed at significant frequency in large population cohorts (gnomAD); Previously reported as a de novo variant in a proband from a large developmental disorders cohort; detailed clinical information was not provided and the proband may have had additional de novo variants in other genes (PMID: 33057194; 35982159); This variant is associated with the following publications: (PMID: 35982159, 33057194)

Ambry Genetics
Classification: Pathogenic for Cardiovascular phenotype; Hereditary cancer-predisposing syndrome. Last evaluated: 2024-03-11. Review status: criteria provided, single submitter. Criteria: Ambry Variant Classification Scheme 2023. Collection method: clinical testing. Allele origin: germline.
Comment: The p.Q208* pathogenic mutation (also known as c.622C>T), located in coding exon 7 of the LZTR1 gene, results from a C to T substitution at nucleotide position 622. This changes the amino acid from a glutamine to a stop codon within coding exon 7. This alteration is expected to result in loss of function by premature protein truncation or nonsense-mediated mRNA decay. Loss-of-function variants in LZTR1 are related to an increased risk for schwannomas and autosomal recessive Noonan syndrome; however, such associations with autosomal dominant Noonan syndrome have not been observed (Piotrowski A et al. Nat Genet. 2014 Feb;46:182-7; Yamamoto GL et al. J Med Genet. 2015 Jun;52:413-21; Johnston JJ et al. Genet Med. 2018 10;20:1175-1185). This variant is considered to be rare based on population cohorts in the Genome Aggregation Database (gnomAD). Based on the supporting evidence, this variant is pathogenic for an increased risk of LZTR1-related schwannomatosis (SWN) and would be expected to cause autosomal recessive Noonan syndrome when present along with a second pathogenic or likely pathogenic variant on the other allele; however, the association of this alteration with autosomal dominant Noonan syndrome is unlikely.

Literature cited by the submitters: PubMed 24362817 (cited by Labcorp Genetics (formerly Invitae), Labcorp); PubMed 25335493 (cited by Labcorp Genetics (formerly Invitae), Labcorp); PubMed 25480913 (cited by Labcorp Genetics (formerly Invitae), Labcorp); PubMed 25795793 (cited by Labcorp Genetics (formerly Invitae), Labcorp); PubMed 29469822 (cited by Labcorp Genetics (formerly Invitae), Labcorp); PubMed 30368668 (cited by Labcorp Genetics (formerly Invitae), Labcorp); PubMed 30442762 (cited by Labcorp Genetics (formerly Invitae), Labcorp); PubMed 30442766 (cited by Labcorp Genetics (formerly Invitae), Labcorp); PubMed 30481304 (cited by Labcorp Genetics (formerly Invitae), Labcorp); PubMed 30859559 (cited by Labcorp Genetics (formerly Invitae), Labcorp).